The following is an entry in ClinVar:

ClinVar aggregate classification (germline): Likely pathogenic (1 of 4 stars; one submission).

Conditions:
Hereditary cancer-predisposing syndrome. Also called: Neoplastic Syndromes, Hereditary; Tumor predisposition; Hereditary neoplastic syndrome; Hereditary Cancer Syndrome. Identifiers: Orphanet 140162, MedGen C0027672, MeSH D009386, MONDO:0015356.

Submission:

Ambry Genetics
Classification: Likely pathogenic for Hereditary cancer-predisposing syndrome. Last evaluated: 2025-05-30. Review status: criteria provided, single submitter. Criteria: Ambry Variant Classification Scheme 2023. Collection method: clinical testing. Allele origin: germline.
Comment: The c.3556+2dupT intronic variant, results from a duplication of two nucleotides at nucleotide position 3556 after intron 6 of the MSH6 gene. This variant has been identified in a proband whose Lynch syndrome-associated tumor demonstrated high microsatellite instability and loss of MSH6 expression by immunohistochemistry (Li S et al. J. Med. Genet. 2020 Jan;57:62-69; external laboratory communication). This nucleotide position is highly conserved in available vertebrate species. In silico splice site analysis predicts that this alteration will weaken the native splice donor site. RNA studies have demonstrated that this alteration results in abnormal splicing in the set of samples tested (Ambry internal data; external laboratory communication). This variant is considered to be rare based on population cohorts in the Genome Aggregation Database (gnomAD). Based on the majority of available evidence to date, this variant is likely to be pathogenic.

NM_000179.3(MSH6):c.3556+2dup

Gene: MSH6 (mutS homolog 6; plus strand). Cytogenetic location: 2p16.3.
Variant type: Duplication.
Coding change: c.3556+2dup on transcript NM_000179.3 (MANE Select); the canonical splice donor site of the intron after coding-DNA position 3556, one base duplicated (T; older notation c.3556+2dupT).
Molecular consequence: splice donor variant.
Genome position (GRCh38, 1-based): chr2:47,805,029, T duplicated. VCF-style (leftmost placement, unchanged base first): chr2-47805028-G-GT. GRCh37 (hg19) VCF-style: chr2-48032167-G-GT.
Other names: c.3556+2dup (NM_001406809.1, NM_001406796.1, NM_001406808.1 and 1 more transcripts); c.2650+2dup (NM_001406811.1, NM_001406814.1, NM_001281493.2 and 6 more transcripts); c.3259+2dup (NM_001406805.1, NM_001406797.1, NM_001406801.1 and 10 more transcripts); c.3652+2dup (NM_001406795.1, NM_001406802.1); c.3562+2dup (NM_001406813.1); c.3031+2dup (NM_001406807.1, NM_001406799.1, NM_001406806.1); c.3382+2dup (NM_001406798.1); c.2692+2dup (NM_001406803.1); and 7 more.
Identifiers: ClinVar variation 3230556 (VCV003230556.2), dbSNP rs1572739097, ClinGen allele CA2825001128.